The following is an entry in ClinVar:

NM_001379291.1(BRD4):c.3884A>T (p.Gln1295Leu)

Gene: BRD4 (bromodomain containing 4; minus strand). Cytogenetic location: 19p13.12.
Variant type: single nucleotide variant.
Coding change: c.3884A>T on transcript NM_001379291.1 (MANE Select); coding-DNA position 3884, A replaced by T.
Protein change: p.Gln1295Leu; replaces glutamine 1295 with leucine.
Molecular consequence: missense variant.
Genome position (GRCh38, 1-based): chr19:15,238,879, T>A on the plus strand (A>T on the coding strand, the complement: BRD4 is on the minus strand). VCF-style: chr19-15238879-T-A. GRCh37 (hg19) VCF-style: chr19-15349690-T-A.
Other names: c.3884A>T, p.Gln1295Leu (NM_058243.3); short protein forms Q1295L.
Identifiers: ClinVar variation 4810695 (VCV004810695.1).

ClinVar aggregate classification (germline): Uncertain significance (1 of 4 stars; one submission).

Submission:

Labcorp Genetics (formerly Invitae), Labcorp
Classification: Uncertain significance. Last evaluated: 2025-12-12. Review status: criteria provided, single submitter. Criteria: Invitae Variant Classification Sherloc (09022015). Collection method: clinical testing. Allele origin: germline.
Comment: This sequence change replaces glutamine, which is neutral and polar, with leucine, which is neutral and non-polar, at codon 1295 of the BRD4 protein (p.Gln1295Leu). This variant is not present in population databases (gnomAD no frequency). This variant has not been reported in the literature in individuals affected with BRD4-related conditions. An algorithm developed to predict the effect of missense changes on protein structure and function (PolyPhen-2) suggests that this variant is likely to be tolerated. In summary, the available evidence is currently insufficient to determine the role of this variant in disease. Therefore, it has been classified as a Variant of Uncertain Significance.